The following is an entry in ClinVar:

ClinVar aggregate classification (germline): Uncertain significance (1 of 4 stars; one submission).

Conditions:
Long QT syndrome (LQTS). Identifiers: MedGen C0023976, MeSH D008133, MONDO:0002442. Disease mechanism: loss of function. Inheritance: Various modes of inheritance.

Allele frequency attached by ClinVar (database versions not stated): gnomAD exomes below 0.00001.
gnomAD v4.1: 1 of 1,614,194 alleles (0.000062%); highest among the groups gnomAD compares: Non-Finnish European, 0.000085%; no homozygotes.

Submission:

Labcorp Genetics (formerly Invitae), Labcorp
Classification: Uncertain significance for Long QT syndrome. Last evaluated: 2022-07-23. Review status: criteria provided, single submitter. Criteria: Invitae Variant Classification Sherloc (09022015). Collection method: clinical testing. Allele origin: germline.
Comment: In summary, the available evidence is currently insufficient to determine the role of this variant in disease. Therefore, it has been classified as a Variant of Uncertain Significance. Algorithms developed to predict the effect of missense changes on protein structure and function are either unavailable or do not agree on the potential impact of this missense change (SIFT: "Deleterious"; PolyPhen-2: "Probably Damaging"; Align-GVGD: "Class C0"). This variant has not been reported in the literature in individuals affected with AKAP9-related conditions. This variant is not present in population databases (gnomAD no frequency). This sequence change replaces leucine, which is neutral and non-polar, with tryptophan, which is neutral and slightly polar, at codon 3666 of the AKAP9 protein (p.Leu3666Trp).

NM_005751.5(AKAP9):c.10997T>G (p.Leu3666Trp)

Gene: AKAP9 (A-kinase anchoring protein 9; plus strand). Cytogenetic location: 7q21.2.
Variant type: single nucleotide variant.
Coding change: c.10997T>G on transcript NM_005751.5 (MANE Select); coding-DNA position 10997, T replaced by G.
Protein change: p.Leu3666Trp; replaces leucine 3666 with tryptophan.
Molecular consequence: missense variant.
Genome position (GRCh38, 1-based): chr7:92,100,956, T>G. VCF-style: chr7-92100956-T-G. GRCh37 (hg19) VCF-style: chr7-91730270-T-G.
Other names: c.5642T>G, p.Leu1881Trp (NM_001379277.1); c.10973T>G, p.Leu3658Trp (NM_147185.3); short protein forms L3658W, L1881W, L3666W.
Identifiers: ClinVar variation 2080214 (VCV002080214.4), dbSNP rs2535312080, ClinGen allele CA368160151.
Genomic context (GRCh38, chr7:92,100,956, plus strand): 5'-CCATCATTGCCTCTGAAAAAGAAGTATGGAACAGAGAAAAATTGACTCTCCAGAAATCTT[T>G]GAAAAGGGCAGAGGCTGAAGTATACAAACTGAAAGCTGAACTAAGAAATGACTCTTTACT-3'
Protein context (NP_005742.4, residues 3656-3676): NREKLTLQKS[Leu3666Trp]KRAEAEVYKL